The following is an entry in ClinVar:

ClinVar aggregate classification (germline): Uncertain significance (1 of 4 stars; one submission).

Conditions:
Inborn genetic diseases. Identifiers: MedGen C0950123, MeSH D030342.

Allele frequency attached by ClinVar (database versions not stated): gnomAD exomes below 0.00001.
gnomAD v4.1: 1 of 1,613,856 alleles (0.000062%); highest among the groups gnomAD compares: East Asian, 0.0022%; no homozygotes.

Submission:

Ambry Genetics
Classification: Uncertain significance for Inborn genetic diseases. Last evaluated: 2017-06-27. Review status: criteria provided, single submitter. Criteria: Ambry Variant Classification Scheme 2023. Collection method: clinical testing. Allele origin: germline.
Comment: The p.C3199F variant (also known as c.9596G>T), located in coding exon 51 of the VPS13B gene, results from a G to T substitution at nucleotide position 9596. The cysteine at codon 3199 is replaced by phenylalanine, an amino acid with highly dissimilar properties. This amino acid position is well conserved in available vertebrate species; however, phenylalanine is the reference amino acid in other vertebrate species. In addition, this alteration is predicted to be tolerated by in silico analysis. Since supporting evidence is limited at this time, the clinical significance of this alteration remains unclear.

NM_152564.5(VPS13B):c.9521G>T (p.Cys3174Phe)

Gene: VPS13B (vacuolar protein sorting 13 homolog B; plus strand). Cytogenetic location: 8q22.2.
Variant type: single nucleotide variant.
Coding change: c.9521G>T on transcript NM_152564.5 (MANE Select); coding-DNA position 9521, G replaced by T.
Protein change: p.Cys3174Phe; replaces cysteine 3174 with phenylalanine.
Molecular consequence: missense variant.
Genome position (GRCh38, 1-based): chr8:99,832,559, G>T. VCF-style: chr8-99832559-G-T. GRCh37 (hg19) VCF-style: chr8-100844787-G-T.
Other names: c.9596G>T, p.Cys3199Phe (NM_017890.5); short protein forms C3174F, C3199F.
Identifiers: ClinVar variation 1767489 (VCV001767489.2), dbSNP rs2492094704, ClinGen allele CA371781804.